The following is an entry in ClinVar:

ClinVar aggregate classification (germline): not provided. Review status: no classification provided (0 of 4 stars). 2 submissions from 1 submitter: not provided (2).

Conditions:
Normal pregnancy. Identifiers: MedGen C0232989.
Small for gestational age. Also called: Low birth weight. Identifiers: MedGen C0235991, HP:0001518.

Submissions (2):

Institute of Molecular and Cell Biology, University of Tartu
No classification provided. Condition: Normal pregnancy. Review status: no classification provided. Collection method: case-control. Allele origin: unknown. Affected: yes. Study: Kasak2014.
Comment: The study aimed to determine the contribution of copy number variants in the genetic etiology of normal and complicated pregnancies. The samples represented (i) maternal blood DNA drawn from healthy pregnant women during 1st or 2nd trimester and (ii) maternal and paternal blood DNA drawn at term pregnancy cases representing normal and complicated gestations (severe preeclampsia, PE; gestational diabetes, GD; small-for-gestational age newborn, SGA; large-for-gestational age newborn, LGA). We performed CNV calling based on genome-wide genotyping dataset (Illumina HumanOmniExpress-24-v1 BeadChip) by applying three algorithms, QuantiSNP, GADA (Genome Alteration Detection Algorithm) and CNstream in parallel. The acquired CNV calls were merged with HD-CNV (Hotspot Detector for Copy Number Variants) program and only the CNVs predicted by at least two programs, were considered in subsequent analysis.

Institute of Molecular and Cell Biology, University of Tartu
No classification provided. Condition: Small for gestational age. Review status: no classification provided. Collection method: case-control. Allele origin: unknown. Affected: yes. Study: Kasak2014.
Comment: the same text as in the submission from Institute of Molecular and Cell Biology, University of Tartu above.

Literature cited by the submitters: PubMed 25666259.

NC_000007.14:g.109815648_109837120dup

Variant type: Duplication.
Identifiers: ClinVar variation 157066 (VCV000157066.2).